The following is an entry in ClinVar:

ClinVar aggregate classification (germline): Uncertain significance (1 of 4 stars; one submission).

gnomAD v4.1: 6 of 1,611,412 alleles (0.00037%); highest among the groups gnomAD compares: Non-Finnish European, 0.00051%; no homozygotes.

Submission:

Labcorp Genetics (formerly Invitae), Labcorp
Classification: Uncertain significance. Last evaluated: 2025-07-16. Review status: criteria provided, single submitter. Criteria: Invitae Variant Classification Sherloc (09022015). Collection method: clinical testing. Allele origin: germline.
Comment: This sequence change falls in intron 4 of the TFRC gene. It does not directly change the encoded amino acid sequence of the TFRC protein. It affects a nucleotide within the consensus splice site. This variant is present in population databases (no rsID available, gnomAD 0.002%). This variant has not been reported in the literature in individuals affected with TFRC-related conditions. Variants that disrupt the consensus splice site are a relatively common cause of aberrant splicing (PMID: 17576681, 9536098). Algorithms developed to predict the effect of sequence changes on RNA splicing suggest that this variant is not likely to affect RNA splicing. In summary, the available evidence is currently insufficient to determine the role of this variant in disease. Therefore, it has been classified as a Variant of Uncertain Significance.

Literature cited by the submitters: PubMed 17576681; PubMed 9536098.

NM_001128148.3(TFRC):c.435-3C>T

Gene: TFRC (transferrin receptor; minus strand). Cytogenetic location: 3q29.
Variant type: single nucleotide variant.
Coding change: c.435-3C>T on transcript NM_001128148.3 (MANE Select); 3 bases into the intron before coding-DNA position 435, C replaced by T.
Molecular consequence: intron variant.
Genome position (GRCh38, 1-based): chr3:196,072,155, G>A on the plus strand (C>T on the coding strand, the complement: TFRC is on the minus strand). VCF-style: chr3-196072155-G-A. GRCh37 (hg19) VCF-style: chr3-195799026-G-A.
Other names: c.-412-3C>T (NM_001313966.2); c.192-3C>T (NM_001313965.2); c.435-3C>T (NM_003234.4).
Identifiers: ClinVar variation 4695047 (VCV004695047.1).